The following is an entry in ClinVar:

NM_004187.5(KDM5C):c.2507A>G (p.Gln836Arg)

Gene: KDM5C (lysine demethylase 5C; minus strand). Cytogenetic location: Xp11.22.
Variant type: single nucleotide variant.
Coding change: c.2507A>G on transcript NM_004187.5 (MANE Select); coding-DNA position 2507, A replaced by G.
Protein change: p.Gln836Arg; replaces glutamine 836 with arginine.
Molecular consequence: missense variant. On other transcripts: non-coding transcript variant (3).
Genome position (GRCh38, 1-based): chrX:53,198,499, T>C on the plus strand (A>G on the coding strand, the complement: KDM5C is on the minus strand). VCF-style: chrX-53198499-T-C. GRCh37 (hg19) VCF-style: chrX-53227681-T-C.
Other names: c.2306A>G, p.Gln769Arg (NM_001146702.2); c.2504A>G, p.Gln835Arg (NM_001282622.3, NM_001353979.2, NM_001353982.2); c.2507A>G, p.Gln836Arg (NM_001353978.3, NM_001353981.2, NM_001353984.2); short protein forms Q836R, Q835R, Q769R.
Identifiers: ClinVar variation 134587 (VCV000134587.1), dbSNP rs192633186, ClinGen allele CA160270.

ClinVar aggregate classification (germline): not provided (0 of 4 stars; one submission).

Allele frequency attached by ClinVar (database versions not stated): TOPMed 0.00001; gnomAD exomes 0.00002; gnomAD 0.00003; 1000 Genomes Project 30x 0.00062; 1000 Genomes Project 0.00079.
gnomAD v4.1: 3 of 1,202,382 alleles (0.00025%); highest among the groups gnomAD compares: East Asian, 0.009%; no homozygotes.

Submission:

ITMI
No classification provided. Condition: AllHighlyPenetrant. Last evaluated: 2013-09-19. Review status: no classification provided. Collection method: reference population. Allele origin: germline.
Comment: Please see associated publication for description of ethnicities

Literature cited by the submitters: PubMed 24728327.